The following is an entry in ClinVar:

ClinVar aggregate classification (germline): Uncertain significance (1 of 4 stars; one submission).

Conditions:
Charcot-Marie-Tooth disease axonal type 2C (HMSN2C). Also called: CHARCOT-MARIE-TOOTH DISEASE, AXONAL, AUTOSOMAL DOMINANT, TYPE 2C; Charcot-Marie-Tooth Neuropathy Type 2C; Charcot-Marie-Tooth Disease Type 2, TRPV4-Related (CMT2C). Identifiers: Orphanet 99937, MedGen C1853710, MONDO:0011633, OMIM 606071.

Allele frequency attached by ClinVar (database versions not stated): gnomAD exomes below 0.00001.
gnomAD v4.1: 1 of 1,614,222 alleles (0.000062%); highest among the groups gnomAD compares: Non-Finnish European, 0.000085%; no homozygotes.

Submission:

Labcorp Genetics (formerly Invitae), Labcorp
Classification: Uncertain significance for Charcot-Marie-Tooth disease axonal type 2C. Last evaluated: 2023-08-24. Review status: criteria provided, single submitter. Criteria: Invitae Variant Classification Sherloc (09022015). Collection method: clinical testing. Allele origin: germline.
Comment: ClinVar contains an entry for this variant (Variation ID: 1392385). This sequence change replaces proline, which is neutral and non-polar, with serine, which is neutral and polar, at codon 171 of the TRPV4 protein (p.Pro171Ser). This variant is not present in population databases (gnomAD no frequency). This variant has not been reported in the literature in individuals affected with TRPV4-related conditions. Advanced modeling of protein sequence and biophysical properties (such as structural, functional, and spatial information, amino acid conservation, physicochemical variation, residue mobility, and thermodynamic stability) performed at Invitae indicates that this missense variant is not expected to disrupt TRPV4 protein function. In summary, the available evidence is currently insufficient to determine the role of this variant in disease. Therefore, it has been classified as a Variant of Uncertain Significance.

NM_021625.5(TRPV4):c.511C>T (p.Pro171Ser)

Gene: TRPV4 (transient receptor potential cation channel subfamily V member 4; minus strand). Cytogenetic location: 12q24.11.
Variant type: single nucleotide variant.
Coding change: c.511C>T on transcript NM_021625.5 (MANE Select); coding-DNA position 511, C replaced by T.
Protein change: p.Pro171Ser; replaces proline 171 with serine.
Molecular consequence: missense variant.
Genome position (GRCh38, 1-based): chr12:109,808,344, G>A on the plus strand (C>T on the coding strand, the complement: TRPV4 is on the minus strand). VCF-style: chr12-109808344-G-A. GRCh37 (hg19) VCF-style: chr12-110246149-G-A.
Other names: c.511C>T, p.Pro171Ser (NM_001177428.2, NM_001177433.2, NM_147204.3); c.409C>T, p.Pro137Ser (NM_001177431.2); short protein forms P137S, P171S.
Identifiers: ClinVar variation 1392385 (VCV001392385.6), dbSNP rs2136607717, ClinGen allele CA386657043.